The following is an entry in ClinVar:

ClinVar aggregate classification (germline): Pathogenic/Likely pathogenic. Review status: criteria provided, multiple submitters, no conflicts (2 of 4 stars). 4 submissions from 4 submitters: Pathogenic (2); Likely pathogenic (2). Last evaluated 2026-02-16.

Conditions:
Pyridoxal phosphate-responsive seizures (PNPOD). Also called: Pyridoxamine 5-Prime-Phosphate Oxidase Deficiency; Pyridoxine-5'-phosphate oxidase deficiency; SEIZURES, PYRIDOXINE-RESISTANT, PLP-SENSITIVE; Pyridoxal 5'-Phosphate (PLP)-Dependent Epilepsy; EPILEPTIC ENCEPHALOPATHY, NEONATAL, PNPO-RELATED. Identifiers: Orphanet 79096, MedGen C1864723, MONDO:0012407, OMIM 610090. Disease mechanism: loss of function.
PNPO-related disorder. Also called: PNPO-related disorders; PNPO-related condition.
Seizure. Also called: Seizures. Identifiers: MedGen C0036572, HP:0001250.

Allele frequency attached by ClinVar (database versions not stated): gnomAD exomes below 0.00001.
gnomAD v4.1: 4 of 1,614,012 alleles (0.00025%); highest among the groups gnomAD compares: East Asian, 0.0022%; no homozygotes.

Submissions (4):

Clinical Genetics Laboratory, Skane University Hospital Lund
Classification: Likely pathogenic for Seizure. Last evaluated: 2026-02-16. Review status: criteria provided, single submitter. Criteria: ACMG Guidelines, 2015. Collection method: clinical testing. Allele origin: germline. Inheritance: Autosomal recessive inheritance. Affected: yes.
Comment: Applied ACMG criteria: PS3_Supporting, PM2, PM3, PP1_Moderate, and PP3.

Labcorp Genetics (formerly Invitae), Labcorp
Classification: Pathogenic for Pyridoxal phosphate-responsive seizures. Last evaluated: 2024-02-01. Review status: criteria provided, single submitter. Criteria: Invitae Variant Classification Sherloc (09022015). Collection method: clinical testing. Allele origin: germline.
Comment: This sequence change replaces arginine, which is basic and polar, with cysteine, which is neutral and slightly polar, at codon 95 of the PNPO protein (p.Arg95Cys). This variant is present in population databases (no rsID available, gnomAD 0.006%). This missense change has been observed in individuals with PNPO-related conditions (PMID: 17216302, 18296573). It has also been observed to segregate with disease in related individuals. ClinVar contains an entry for this variant (Variation ID: 1297019). Advanced modeling of protein sequence and biophysical properties (such as structural, functional, and spatial information, amino acid conservation, physicochemical variation, residue mobility, and thermodynamic stability) performed at Invitae indicates that this missense variant is expected to disrupt PNPO protein function with a positive predictive value of 80%. Experimental studies have shown that this missense change affects PNPO function (PMID: 27419045). This variant disrupts the p.Arg95 amino acid residue in PNPO. Other variant(s) that disrupt this residue have been determined to be pathogenic (PMID: 18485777, 24645144). This suggests that this residue is clinically significant, and that variants that disrupt this residue are likely to be disease-causing. For these reasons, this variant has been classified as Pathogenic.

Blueprint Genetics
Classification: Pathogenic for PNPO-related disorders. Last evaluated: 2023-10-17. Review status: criteria provided, single submitter. Criteria: ACMG Guidelines, 2015. Collection method: clinical testing. Allele origin: germline. Affected: yes. Observed: 4 variant alleles.

Institute of Human Genetics, University of Leipzig Medical Center
Classification: Likely pathogenic for Pyridoxal phosphate-responsive seizures. Last evaluated: 2021-04-28. Review status: criteria provided, single submitter. Criteria: ACMG Guidelines, 2015. Collection method: clinical testing. Allele origin: unknown. Affected: yes.
Comment: This variant was identified as homozygous.

Literature cited by the submitters: PubMed 17216302 (cited by Labcorp Genetics (formerly Invitae), Labcorp); PubMed 18296573 (cited by Labcorp Genetics (formerly Invitae), Labcorp); PubMed 27419045 (cited by Labcorp Genetics (formerly Invitae), Labcorp); PubMed 18485777 (cited by Labcorp Genetics (formerly Invitae), Labcorp); PubMed 24645144 (cited by Labcorp Genetics (formerly Invitae), Labcorp).

NM_018129.4(PNPO):c.283C>T (p.Arg95Cys)

Gene: PNPO (pyridoxamine 5'-phosphate oxidase; plus strand). Cytogenetic location: 17q21.32.
Variant type: single nucleotide variant.
Coding change: c.283C>T on transcript NM_018129.4 (MANE Select); coding-DNA position 283, C replaced by T.
Protein change: p.Arg95Cys; replaces arginine 95 with cysteine.
Molecular consequence: missense variant.
Genome position (GRCh38, 1-based): chr17:47,944,635, C>T. VCF-style: chr17-47944635-C-T. GRCh37 (hg19) VCF-style: chr17-46022001-C-T.
Other names: short protein forms R95C.
Identifiers: ClinVar variation 1297019 (VCV001297019.11), dbSNP rs1483600034, ClinGen allele CA400056949.
Genomic context (GRCh38, chr17:47,944,635, plus strand): 5'-GAAGCAGACTCTGACCACAGTGCTCTGCTCTTTGCTCCTAGAGATGGAAAACCCTCTGCT[C>T]GCATGTTGCTGCTGAAGGGCTTCGGGAAAGATGGCTTCCGCTTCTTCACTAACTTCGAGA-3'
Protein context (NP_060599.1, residues 85-105): TCTRDGKPSA[Arg95Cys]MLLLKGFGKD